The following is an entry in ClinVar:

NM_203446.3(SYNJ1):c.3364C>T (p.Pro1122Ser)

Gene: SYNJ1 (synaptojanin 1; minus strand). Cytogenetic location: 21q22.11.
Variant type: single nucleotide variant.
Coding change: c.3364C>T on transcript NM_203446.3 (MANE Select); coding-DNA position 3364, C replaced by T.
Protein change: p.Pro1122Ser; replaces proline 1122 with serine.
Molecular consequence: missense variant.
Genome position (GRCh38, 1-based): chr21:32,645,673, G>A on the plus strand (C>T on the coding strand, the complement: SYNJ1 is on the minus strand). VCF-style: chr21-32645673-G-A. GRCh37 (hg19) VCF-style: chr21-34017983-G-A.
Other names: c.3364C>T, p.Pro1122Ser (NM_001160302.2); c.3349C>T, p.Pro1117Ser (NM_001160306.2); c.3481C>T, p.Pro1161Ser (NM_003895.4); short protein forms P1122S, P1117S, P1161S.
Identifiers: ClinVar variation 936291 (VCV000936291.10), dbSNP rs1274970038, ClinGen allele CA410068220.
Genomic context (GRCh38, chr21:32,645,673, plus strand): 5'-CATCTAGCAGAAATGGAAATAAAAGGTTGTCACCTGAAGGCGGAGGAGGTCTCTGTGGGG[G>A]AGCCGGGCGTGTGGGAGGGGCGACCGGGCGGGGCGGCGGCGGCCGCTTGGGCTCCAAGGG-3'
Protein context (NP_982271.3, residues 1112-1132): RPVAPPTRPA[Pro1122Ser]PQRPPPPSGA

ClinVar aggregate classification (germline): Uncertain significance (1 of 4 stars; one submission).

Conditions:
Early-onset Parkinson disease 20. Also called: PARKINSON DISEASE 20, AUTOSOMAL RECESSIVE EARLY-ONSET. Identifiers: Orphanet 391411, MedGen C3809824, MONDO:0014233, OMIM 615530.
Developmental and epileptic encephalopathy, 53. Also called: Epileptic encephalopathy, early infantile, 53. Identifiers: MedGen C4479313, MONDO:0033362, OMIM 617389.

Allele frequency attached by ClinVar (database versions not stated): gnomAD exomes 0.00001.
gnomAD v4.1: 2 of 1,521,190 alleles (0.00013%); highest among the groups gnomAD compares: Non-Finnish European, 0.00018%; no homozygotes.

Submission:

Labcorp Genetics (formerly Invitae), Labcorp
Classification: Uncertain significance for Developmental and epileptic encephalopathy, 53; Early-onset Parkinson disease 20. Last evaluated: 2019-07-05. Review status: criteria provided, single submitter. Criteria: Invitae Variant Classification Sherloc (09022015). Collection method: clinical testing. Allele origin: germline.
Comment: This sequence change replaces proline with serine at codon 1161 of the SYNJ1 protein (p.Pro1161Ser). The proline residue is highly conserved and there is a moderate physicochemical difference between proline and serine. The frequency data for this variant in the population databases is considered unreliable, as metrics indicate insufficient coverage at this position in the ExAC database. This variant has not been reported in the literature in individuals with SYNJ1-related conditions. Algorithms developed to predict the effect of missense changes on protein structure and function are either unavailable or do not agree on the potential impact of this missense change (SIFT: "Deleterious"; PolyPhen-2: "Probably Damaging"; Align-GVGD: "Class C0"). In summary, the available evidence is currently insufficient to determine the role of this variant in disease. Therefore, it has been classified as a Variant of Uncertain Significance.